The following is an entry in ClinVar:

ClinVar aggregate classification (germline): Uncertain significance (1 of 4 stars; one submission).

gnomAD v4.1: 9 of 1,613,204 alleles (0.00056%); highest among the groups gnomAD compares: Non-Finnish European, 0.00076%; no homozygotes.

Submission:

Women's Health and Genetics/Laboratory Corporation of America, LabCorp
Classification: Uncertain significance. Last evaluated: 2024-08-05. Review status: criteria provided, single submitter. Criteria: LabCorp Variant Classification Summary - May 2015. Collection method: clinical testing. Allele origin: germline.
Comment: Variant summary: DNM1 c.849+5G>A alters a non-conserved nucleotide located close to a canonical splice site and therefore could affect mRNA splicing, leading to a significantly altered protein sequence. Several computational tools predict a significant impact on normal splicing: Three predict the variant weakens a canonical 5' donor site. However, these predictions have yet to be confirmed by functional studies. The variant was absent in 250320 control chromosomes. The available data on variant occurrences in the general population are insufficient to allow any conclusion about variant significance. To our knowledge, no occurrence of c.849+5G>A in individuals affected with Developmental And Epileptic Encephalopathy, 31 and no experimental evidence demonstrating its impact on protein function have been reported. No submitters have cited clinical-significance assessments for this variant to ClinVar. Based on the evidence outlined above, the variant was classified as uncertain significance.

NM_004408.4(DNM1):c.849+5G>A

Gene: DNM1 (dynamin 1; plus strand). Cytogenetic location: 9q34.11.
Variant type: single nucleotide variant.
Coding change: c.849+5G>A on transcript NM_004408.4 (MANE Select); 5 bases into the intron after coding-DNA position 849, G replaced by A.
Molecular consequence: intron variant.
Genome position (GRCh38, 1-based): chr9:128,220,346, G>A. VCF-style: chr9-128220346-G-A. GRCh37 (hg19) VCF-style: chr9-130982625-G-A.
Other names: c.849+5G>A (NM_001005336.3, NM_001374269.1, NM_001288738.2 and 2 more transcripts).
Identifiers: ClinVar variation 3366507 (VCV003366507.1).